The following is an entry in ClinVar:

NM_052859.4(RFT1):c.266+1G>A

Gene: RFT1 (RFT1 glycolipid translocator homolog; minus strand). Cytogenetic location: 3p21.1.
Variant type: single nucleotide variant.
Coding change: c.266+1G>A on transcript NM_052859.4 (MANE Select); the canonical splice donor site of the intron after coding-DNA position 266, G replaced by A.
Molecular consequence: splice donor variant.
Genome position (GRCh38, 1-based): chr3:53,123,723, C>T on the plus strand (G>A on the coding strand, the complement: RFT1 is on the minus strand). VCF-style: chr3-53123723-C-T. GRCh37 (hg19) VCF-style: chr3-53157739-C-T.
Identifiers: ClinVar variation 1440578 (VCV001440578.6), dbSNP rs371764423, ClinGen allele CA353222513.

ClinVar aggregate classification (germline): Uncertain significance (1 of 4 stars; one submission).

Conditions:
RFT1-congenital disorder of glycosylation (CDG1N). Also called: CDG In; Congenital disorder of glycosylation type In; RFT1-CDG. Identifiers: Orphanet 244310, MedGen C2677590, MONDO:0012783, OMIM 612015.

Allele frequency attached by ClinVar (database versions not stated): gnomAD exomes below 0.00001.
gnomAD v4.1: 4 of 1,611,696 alleles (0.00025%); highest among the groups gnomAD compares: African/African-American, 0.0013%; no homozygotes.

Submission:

Labcorp Genetics (formerly Invitae), Labcorp
Classification: Uncertain significance for RFT1-congenital disorder of glycosylation. Last evaluated: 2021-12-02. Review status: criteria provided, single submitter. Criteria: Invitae Variant Classification Sherloc (09022015). Collection method: clinical testing. Allele origin: germline.
Comment: In summary, the available evidence is currently insufficient to determine the role of this variant in disease. Therefore, it has been classified as a Variant of Uncertain Significance. Algorithms developed to predict the effect of sequence changes on RNA splicing suggest that this variant may disrupt the consensus splice site. This variant has not been reported in the literature in individuals affected with RFT1-related conditions. This variant is present in population databases (no rsID available, gnomAD 0.003%). This sequence change affects a donor splice site in intron 3 of the RFT1 gene. It is expected to disrupt RNA splicing. Variants that disrupt the donor or acceptor splice site typically lead to a loss of protein function (PMID: 16199547), however the current clinical and genetic evidence is not sufficient to establish whether loss-of-function variants in RFT1 cause disease.

Literature cited by the submitters: PubMed 16199547.